The following is an entry in ClinVar:

ClinVar aggregate classification (germline): Uncertain significance (1 of 4 stars; one submission).

Conditions:
Emery-Dreifuss muscular dystrophy 5, autosomal dominant (EDMD5). Also called: EMERY-DREIFUSS MUSCULAR DYSTROPHY 5. Identifiers: Orphanet 261, MedGen C2751805, MONDO:0013072, OMIM 612999.

Submission:

Labcorp Genetics (formerly Invitae), Labcorp
Classification: Uncertain significance for Emery-Dreifuss muscular dystrophy 5, autosomal dominant. Last evaluated: 2024-07-10. Review status: criteria provided, single submitter. Criteria: Invitae Variant Classification Sherloc (09022015). Collection method: clinical testing. Allele origin: germline.
Comment: This sequence change creates a premature translational stop signal (p.Glu1288*) in the SYNE2 gene. It is expected to result in an absent or disrupted protein product. However, the current clinical and genetic evidence is not sufficient to establish whether loss-of-function variants in SYNE2 cause disease. This variant is not present in population databases (gnomAD no frequency). This variant has not been reported in the literature in individuals affected with SYNE2-related conditions. Algorithms developed to predict the effect of sequence changes on RNA splicing suggest that this variant may disrupt the consensus splice site. In summary, the available evidence is currently insufficient to determine the role of this variant in disease. Therefore, it has been classified as a Variant of Uncertain Significance.

NM_182914.3(SYNE2):c.3862G>T (p.Glu1288Ter)

Gene: SYNE2 (spectrin repeat containing nuclear envelope protein 2; plus strand). Cytogenetic location: 14q23.2.
Variant type: single nucleotide variant.
Coding change: c.3862G>T on transcript NM_182914.3 (MANE Select); coding-DNA position 3862, G replaced by T.
Protein change: p.Glu1288Ter; replaces glutamic acid 1288 with a stop codon.
Molecular consequence: nonsense.
Genome position (GRCh38, 1-based): chr14:64,002,795, G>T. VCF-style: chr14-64002795-G-T. GRCh37 (hg19) VCF-style: chr14-64469513-G-T.
Other names: c.3862G>T, p.Glu1288Ter (NM_015180.6); short protein forms E1288*.
Identifiers: ClinVar variation 3659143 (VCV003659143.2).